The following is an entry in ClinVar:

NM_000432.4(MYL2):c.152A>G (p.Asp51Gly)

Gene: MYL2 (myosin light chain 2; minus strand). Cytogenetic location: 12q24.11.
Variant type: single nucleotide variant.
Coding change: c.152A>G on transcript NM_000432.4 (MANE Select); coding-DNA position 152, A replaced by G.
Protein change: p.Asp51Gly; replaces aspartic acid 51 with glycine.
Molecular consequence: missense variant. On other transcripts: intron variant (1).
Genome position (GRCh38, 1-based): chr12:110,915,732, T>C on the plus strand (A>G on the coding strand, the complement: MYL2 is on the minus strand). VCF-style: chr12-110915732-T-C. GRCh37 (hg19) VCF-style: chr12-111353536-T-C.
Other names: c.95A>G, p.Asp32Gly (NM_001406916.1); c.94-1408A>G (NM_001406745.1); short protein forms D32G, D51G.
Identifiers: ClinVar variation 4531380 (VCV004531380.1).

ClinVar aggregate classification (germline): Uncertain significance (1 of 4 stars; one submission).

Conditions:
Hypertrophic cardiomyopathy 10. Also called: CARDIOMYOPATHY, HYPERTROPHIC, MID-LEFT VENTRICULAR CHAMBER TYPE, 2; MYL2-Related Familial Hypertrophic Cardiomyopathy. Identifiers: MedGen C1834460, MONDO:0012112, OMIM 608758.

Submission:

Victorian Clinical Genetics Services, Murdoch Childrens Research Institute
Classification: Uncertain significance for Hypertrophic cardiomyopathy 10. Last evaluated: 2024-12-30. Review status: criteria provided, single submitter. Criteria: ACMG Guidelines, 2015. Collection method: clinical testing. Allele origin: germline. Affected: yes.
Comment: This variant is classified as VUS-3A. Evidence in support of pathogenic classification: Variant is absent from gnomAD (v2, v3 and v4). Additional information: Variant is predicted to result in a missense amino acid change from aspartic acid to glycine; This variant is heterozygous; This gene is associated with both recessive and dominant disease. Hypertrophic cardiomyopathy 10 (MIM#608758) is associated with autosomal dominant inheritance, and infantile-onset myofibrillar myopathy-12 with cardiomyopathy (MIM#619424) is associated with autosomal recessive inheritance (OMIM); Alternative amino acid change(s) at the same position are present in gnomAD (Highest allele count: v4: 1 heterozygote(s), 0 homozygote(s)) ; This variant has no previous evidence of pathogenicity; No published segregation evidence has been identified for this variant; No published functional evidence has been identified for this variant; Another missense variant(s) comparable to the one identified in this case has inconclusive previous evidence for pathogenicity. p.(Asp51Tyr) has been classified as a variant of uncertain significance by one clinical laboratory (ClinVar); Variant is located in the annotated EF-hand domain pair (DECIPHER); Missense variant with inconclusive in silico prediction and uninformative conservation; The mechanism of disease for this gene is not clearly established. However, loss of function is a suggested mechanism of autosomal recessive myopathy, myofibrillar, 12, infantile-onset, with cardiomyopathy (MIM#619424); Inheritance information for this variant is not currently available in this individual.